The following is an entry in ClinVar:

NM_003235.5(TG):c.3129C>T (p.His1043=)

Gene: TG (thyroglobulin; plus strand). Cytogenetic location: 8q24.22.
Variant type: single nucleotide variant.
Coding change: c.3129C>T on transcript NM_003235.5 (MANE Select); coding-DNA position 3129, C replaced by T.
Protein change: p.His1043=; no amino-acid change (histidine 1043 retained).
Molecular consequence: synonymous variant.
Genome position (GRCh38, 1-based): chr8:132,897,776, C>T. VCF-style: chr8-132897776-C-T. GRCh37 (hg19) VCF-style: chr8-133910021-C-T.
Identifiers: ClinVar variation 361939 (VCV000361939.36), dbSNP rs112300885, ClinGen allele CA4883618.

ClinVar aggregate classification (germline): Conflicting classifications of pathogenicity. Review status: criteria provided, conflicting classifications (1 of 4 stars). 4 submissions from 4 submitters: Uncertain significance (1); Benign (2); Likely benign (1). Last evaluated 2026-02-02.

Conditions:
Iodotyrosyl coupling defect (TDH3). Also called: HYPOTHYROIDISM, CONGENITAL, DUE TO DYSHORMONOGENESIS, 3; THYROID HORMONOGENESIS, GENETIC DEFECT IN, 3. Identifiers: Orphanet 95716, MedGen C0342194, MONDO:0010135, OMIM 274700.

Allele frequency attached by ClinVar (database versions not stated): 1000 Genomes Project 30x 0.00125; 1000 Genomes Project 0.00140; ExAC 0.00277; TOPMed 0.00281; gnomAD exomes 0.00292 and 0.00394; gnomAD 0.00333 and 0.00347; ESP Exome Variant Server 0.00408.
gnomAD v4.1: 6,164 of 1,614,170 alleles (0.38%); highest among the groups gnomAD compares: Non-Finnish European, 0.48%; 13 homozygotes.

Submissions (4):

Labcorp Genetics (formerly Invitae), Labcorp
Classification: Benign. Last evaluated: 2026-02-02. Review status: criteria provided, single submitter. Criteria: Invitae Variant Classification Sherloc (09022015). Collection method: clinical testing. Allele origin: germline.

Women's Health and Genetics/Laboratory Corporation of America, LabCorp
Classification: Benign. Last evaluated: 2025-11-05. Review status: criteria provided, single submitter. Criteria: LabCorp Variant Classification Summary - May 2015. Collection method: clinical testing. Allele origin: germline.

CeGaT Center for Human Genetics Tuebingen
Classification: Likely benign. Last evaluated: 2023-02-01. Review status: criteria provided, single submitter. Criteria: CeGaT Center For Human Genetics Tuebingen Variant Classification Criteria Version 2. Collection method: clinical testing. Allele origin: germline. Affected: yes. Observed: 2 variant alleles.
Comment: TG: BP4, BP7, BS2

Illumina Laboratory Services, Illumina
Classification: Uncertain significance for Iodotyrosyl coupling defect. Last evaluated: 2018-01-12. Review status: criteria provided, single submitter. Criteria: ICSL Variant Classification Criteria 13 December 2019. Collection method: clinical testing. Allele origin: germline.